The following is an entry in ClinVar:

ClinVar aggregate classification (germline): Uncertain significance (1 of 4 stars; one submission).

Conditions:
Cardiovascular phenotype. Identifiers: MedGen CN230736.

Submission:

Ambry Genetics
Classification: Uncertain significance for Cardiovascular phenotype. Last evaluated: 2026-02-15. Review status: criteria provided, single submitter. Criteria: Ambry Variant Classification Scheme 2023. Collection method: clinical testing. Allele origin: germline.
Comment: The p.E1229K variant (also known as c.3685G>A), located in coding exon 24 of the MYH6 gene, results from a G to A substitution at nucleotide position 3685. The glutamic acid at codon 1229 is replaced by lysine, an amino acid with similar properties. This amino acid position is conserved. In addition, this alteration is predicted to be deleterious by in silico analysis. Based on the available evidence, the clinical significance of this variant remains unclear.

NM_002471.4(MYH6):c.3685G>A (p.Glu1229Lys)

Gene: MYH6 (myosin heavy chain 6; minus strand). Cytogenetic location: 14q11.2.
Variant type: single nucleotide variant.
Coding change: c.3685G>A on transcript NM_002471.4 (MANE Select); coding-DNA position 3685, G replaced by A.
Protein change: p.Glu1229Lys; replaces glutamic acid 1229 with lysine.
Molecular consequence: missense variant.
Genome position (GRCh38, 1-based): chr14:23,390,104, C>T on the plus strand (G>A on the coding strand, the complement: MYH6 is on the minus strand). VCF-style: chr14-23390104-C-T. GRCh37 (hg19) VCF-style: chr14-23859313-C-T.
Other names: short protein forms E1229K.
Identifiers: ClinVar variation 4825136 (VCV004825136.1).